The following is an entry in ClinVar:

ClinVar aggregate classification (germline): Uncertain significance. Review status: criteria provided, multiple submitters, no conflicts (2 of 4 stars). 2 submissions from 2 submitters: Uncertain significance (2). Last evaluated 2025-04-12.

Conditions:
Gastrointestinal stromal tumor. Also called: Gastrointestinal stromal tumor, somatic; Gastrointestinal stroma tumor. Identifiers: Orphanet 44890, MedGen C0238198, MeSH D046152, MONDO:0011719, OMIM 606764, HP:0100723.
Hereditary cancer-predisposing syndrome. Also called: Neoplastic Syndromes, Hereditary; Tumor predisposition; Hereditary Cancer Syndrome; Hereditary neoplastic syndrome. Identifiers: Orphanet 140162, MedGen C0027672, MeSH D009386, MONDO:0015356.

Submissions (2):

Ambry Genetics
Classification: Uncertain significance for Hereditary cancer-predisposing syndrome. Last evaluated: 2025-04-12. Review status: criteria provided, single submitter. Criteria: Ambry Variant Classification Scheme 2023. Collection method: clinical testing. Allele origin: germline.
Comment: The p.L542I variant (also known as c.1624C>A), located in coding exon 10 of the PDGFRA gene, results from a C to A substitution at nucleotide position 1624. The leucine at codon 542 is replaced by isoleucine, an amino acid with highly similar properties. This amino acid position is conserved. In addition, the in silico prediction for this alteration is inconclusive. Based on the available evidence, the clinical significance of this variant remains unclear.

Labcorp Genetics (formerly Invitae), Labcorp
Classification: Uncertain significance for Gastrointestinal stromal tumor. Last evaluated: 2025-01-19. Review status: criteria provided, single submitter. Criteria: Invitae Variant Classification Sherloc (09022015). Collection method: clinical testing. Allele origin: germline.
Comment: This sequence change replaces leucine, which is neutral and non-polar, with isoleucine, which is neutral and non-polar, at codon 542 of the PDGFRA protein (p.Leu542Ile). This variant is not present in population databases (gnomAD no frequency). This variant has not been reported in the literature in individuals affected with PDGFRA-related conditions. Invitae Evidence Modeling of protein sequence and biophysical properties (such as structural, functional, and spatial information, amino acid conservation, physicochemical variation, residue mobility, and thermodynamic stability) indicates that this missense variant is not expected to disrupt PDGFRA protein function with a negative predictive value of 80%. In summary, the available evidence is currently insufficient to determine the role of this variant in disease. Therefore, it has been classified as a Variant of Uncertain Significance.

NM_006206.6(PDGFRA):c.1624C>A (p.Leu542Ile)

Gene: PDGFRA (platelet derived growth factor receptor alpha; plus strand). Cytogenetic location: 4q12.
Variant type: single nucleotide variant.
Coding change: c.1624C>A on transcript NM_006206.6 (MANE Select); coding-DNA position 1624, C replaced by A.
Protein change: p.Leu542Ile; replaces leucine 542 with isoleucine.
Molecular consequence: missense variant.
Genome position (GRCh38, 1-based): chr4:54,274,596, C>A. VCF-style: chr4-54274596-C-A. GRCh37 (hg19) VCF-style: chr4-55140763-C-A.
Other names: c.1624C>A, p.Leu542Ile (NM_001347827.2, NM_001347829.2); c.1699C>A, p.Leu567Ile (NM_001347828.2); c.1663C>A, p.Leu555Ile (NM_001347830.2); short protein forms L542I, L555I, L567I.
Identifiers: ClinVar variation 3627753 (VCV003627753.3).